The following is an entry in ClinVar:

ClinVar aggregate classification (germline): Uncertain significance (1 of 4 stars; one submission).

Submission:

Ambry Genetics
Classification: Uncertain significance. Last evaluated: 2022-07-11. Review status: criteria provided, single submitter. Criteria: Ambry Variant Classification Scheme 2023. Collection method: clinical testing. Allele origin: germline.
Comment: The p.N2266D variant (also known as c.6796A>G), located in coding exon 51 of the PRKDC gene, results from an A to G substitution at nucleotide position 6796. The asparagine at codon 2266 is replaced by aspartic acid, an amino acid with highly similar properties. This amino acid position is conserved. In addition, this alteration is predicted to be tolerated by in silico analysis. Since supporting evidence is limited at this time, the clinical significance of this alteration remains unclear.

NM_006904.7(PRKDC):c.6796A>G (p.Asn2266Asp)

Gene: PRKDC (protein kinase, DNA-activated, catalytic subunit; minus strand). Cytogenetic location: 8q11.21.
Variant type: single nucleotide variant.
Coding change: c.6796A>G on transcript NM_006904.7 (MANE Select); coding-DNA position 6796, A replaced by G.
Protein change: p.Asn2266Asp; replaces asparagine 2266 with aspartic acid.
Molecular consequence: missense variant.
Genome position (GRCh38, 1-based): chr8:47,854,180, T>C on the plus strand (A>G on the coding strand, the complement: PRKDC is on the minus strand). VCF-style: chr8-47854180-T-C. GRCh37 (hg19) VCF-style: chr8-48766741-T-C.
Other names: c.6796A>G, p.Asn2266Asp (NM_001081640.2); short protein forms N2266D.
Identifiers: ClinVar variation 1755471 (VCV001755471.2), dbSNP rs2551869272, ClinGen allele CA371158576.